The following is an entry in ClinVar:

NM_032043.3(BRIP1):c.3167del (p.Ser1055_Ser1056insTer)

Gene: BRIP1 (BRCA1 interacting DNA helicase 1; minus strand). Cytogenetic location: 17q23.2.
Variant type: Deletion.
Coding change: c.3167del on transcript NM_032043.3 (MANE Select); coding-DNA position 3167, one base deleted (C; older notation c.3167delC).
Protein change: p.Ser1055_Ser1056insTer.
Molecular consequence: nonsense.
Genome position (GRCh38, 1-based): chr17:61,683,879, G deleted on the plus strand (C on the coding strand, the reverse complement: BRIP1 is on the minus strand). VCF-style (leftmost placement, unchanged base first): chr17-61683878-TG-T. GRCh37 (hg19) VCF-style: chr17-59761239-TG-T.
Identifiers: ClinVar variation 2945161 (VCV002945161.3), dbSNP rs2544559621, ClinGen allele CA2740093832.

ClinVar aggregate classification (germline): Uncertain significance (1 of 4 stars; one submission).

Conditions:
Fanconi anemia complementation group J. Also called: BRIP1-Related Fanconi Anemia. Identifiers: Orphanet 84, MedGen C1836860, MONDO:0012187, OMIM 609054.
Familial cancer of breast. Also called: BREAST CANCER, FAMILIAL; Hereditary breast cancer; hereditary breast carcinoma. Identifiers: Orphanet 227535, MedGen C0346153, MONDO:0016419, OMIM 114480. Disease mechanism: loss of function.

Submission:

Labcorp Genetics (formerly Invitae), Labcorp
Classification: Uncertain significance for Familial cancer of breast; Fanconi anemia complementation group J. Last evaluated: 2025-07-15. Review status: criteria provided, single submitter. Criteria: Invitae Variant Classification Sherloc (09022015). Collection method: clinical testing. Allele origin: germline.
Comment: This sequence change creates a premature translational stop signal (p.Ser1056*) in the BRIP1 gene. While this is not anticipated to result in nonsense mediated decay, it is expected to disrupt the last 194 amino acid(s) of the BRIP1 protein. This variant is not present in population databases (gnomAD no frequency). This variant has not been reported in the literature in individuals affected with BRIP1-related conditions. ClinVar contains an entry for this variant (Variation ID: 2945161). In summary, the available evidence is currently insufficient to determine the role of this variant in disease. Therefore, it has been classified as a Variant of Uncertain Significance.